The following is an entry in ClinVar:

ClinVar aggregate classification (germline): Uncertain significance (1 of 4 stars; one submission).

Conditions:
RASopathy. Also called: rasopathies; Noonan spectrum disorder. Identifiers: Orphanet 536391, MedGen C5555857, MONDO:0021060.

gnomAD v4.1: 5 of 1,613,692 alleles (0.00031%); highest among the groups gnomAD compares: Non-Finnish European, 0.00042%; no homozygotes.

Submission:

Labcorp Genetics (formerly Invitae), Labcorp
Classification: Uncertain significance for RASopathy. Last evaluated: 2022-01-26. Review status: criteria provided, single submitter. Criteria: Invitae Variant Classification Sherloc (09022015). Collection method: clinical testing. Allele origin: germline.
Comment: In summary, the available evidence is currently insufficient to determine the role of this variant in disease. Therefore, it has been classified as a Variant of Uncertain Significance. Advanced modeling of protein sequence and biophysical properties (such as structural, functional, and spatial information, amino acid conservation, physicochemical variation, residue mobility, and thermodynamic stability) performed at Invitae indicates that this missense variant is expected to disrupt SOS1 protein function. This variant has not been reported in the literature in individuals affected with SOS1-related conditions. This variant is not present in population databases (gnomAD no frequency). This sequence change replaces proline, which is neutral and non-polar, with leucine, which is neutral and non-polar, at codon 1053 of the SOS1 protein (p.Pro1053Leu).

NM_005633.4(SOS1):c.3158C>T (p.Pro1053Leu)

Gene: SOS1 (SOS Ras/Rac guanine nucleotide exchange factor 1; minus strand). Cytogenetic location: 2p22.1.
Variant type: single nucleotide variant.
Coding change: c.3158C>T on transcript NM_005633.4 (MANE Select); coding-DNA position 3158, C replaced by T.
Protein change: p.Pro1053Leu; replaces proline 1053 with leucine.
Molecular consequence: missense variant.
Genome position (GRCh38, 1-based): chr2:38,995,311, G>A on the plus strand (C>T on the coding strand, the complement: SOS1 is on the minus strand). VCF-style: chr2-38995311-G-A. GRCh37 (hg19) VCF-style: chr2-39222452-G-A.
Other names: c.3137C>T, p.Pro1046Leu (NM_001382394.1); c.3158C>T, p.Pro1053Leu (NM_001382395.1); short protein forms P1046L, P1053L.
Identifiers: ClinVar variation 1973260 (VCV001973260.5), dbSNP rs778058668, ClinGen allele CA45646117.
Genomic context (GRCh38, chr2:38,995,311, plus strand): 5'-GTTTCACTTTCAGGGATCCTACTATAACTAATTTTCCTTGGCTCCTGCTGCAGAGGTGTG[G>A]GATGCCTCATGGTACCTGGTCTTGGGTTTGATGGACGAACACCAGGAGATTTTAGGGGAT-3'
Protein context (NP_005624.2, residues 1043-1063): SNPRPGTMRH[Pro1053Leu]TPLQQEPRKI